The following is an entry in ClinVar:

ClinVar aggregate classification (germline): Uncertain significance (1 of 4 stars; one submission).

Conditions:
H syndrome. Also called: Histiocytosis with joint contractures and sensorineural deafness; Asrar Facharzt Haque syndrome; HISTIOCYTOSIS AND LYMPHADENOPATHY WITH OR WITHOUT CUTANEOUS, CARDIAC, AND/OR ENDOCRINE FEATURES, JOINT CONTRACTURES, AND/OR DEAFNESS; HYPERPIGMENTATION, CUTANEOUS, WITH HYPERTRICHOSIS, HEPATOSPLENOMEGALY, HEART ANOMALIES, AND HYPOGONADISM WITH OR WITHOUT HEARING LOSS; PIGMENTED HYPERTRICHOSIS WITH INSULIN-DEPENDENT DIABETES MELLITUS; ROSAI-DORFMAN DISEASE, FAMILIAL. Identifiers: Orphanet 168569, MedGen C1864445, MONDO:0011273, OMIM 602782.

Allele frequency attached by ClinVar (database versions not stated): gnomAD exomes below 0.00001; ExAC 0.00002.
gnomAD v4.1: 5 of 1,614,190 alleles (0.00031%); highest among the groups gnomAD compares: South Asian, 0.0055%; no homozygotes.

Submission:

Labcorp Genetics (formerly Invitae), Labcorp
Classification: Uncertain significance for H syndrome. Last evaluated: 2023-07-07. Review status: criteria provided, single submitter. Criteria: Invitae Variant Classification Sherloc (09022015). Collection method: clinical testing. Allele origin: germline.
Comment: In summary, the available evidence is currently insufficient to determine the role of this variant in disease. Therefore, it has been classified as a Variant of Uncertain Significance. Advanced modeling of protein sequence and biophysical properties (such as structural, functional, and spatial information, amino acid conservation, physicochemical variation, residue mobility, and thermodynamic stability) performed at Invitae indicates that this missense variant is not expected to disrupt SLC29A3 protein function. ClinVar contains an entry for this variant (Variation ID: 2034260). This variant has not been reported in the literature in individuals affected with SLC29A3-related conditions. This variant is present in population databases (rs746801802, gnomAD 0.01%). This sequence change replaces valine, which is neutral and non-polar, with methionine, which is neutral and non-polar, at codon 413 of the SLC29A3 protein (p.Val413Met).

NM_018344.6(SLC29A3):c.1237G>A (p.Val413Met)

Gene: SLC29A3 (solute carrier family 29 member 3; plus strand). Cytogenetic location: 10q22.1.
Variant type: single nucleotide variant.
Coding change: c.1237G>A on transcript NM_018344.6 (MANE Select); coding-DNA position 1237, G replaced by A.
Protein change: p.Val413Met; replaces valine 413 with methionine.
Molecular consequence: missense variant. On other transcripts: 3 prime UTR variant (1), non-coding transcript variant (2).
Genome position (GRCh38, 1-based): chr10:71,362,417, G>A. VCF-style: chr10-71362417-G-A. GRCh37 (hg19) VCF-style: chr10-73122174-G-A.
Other names: c.*466G>A (NM_001174098.2); c.1003G>A, p.Val335Met (NM_001363518.2); short protein forms V413M, V335M.
Identifiers: ClinVar variation 2034260 (VCV002034260.4), dbSNP rs746801802, ClinGen allele CA5543162.
Genomic context (GRCh38, chr10:71,362,417, plus strand): 5'-TTCGTGCTCTGTAACTACCAGCCCCGCGTCCACCTGAAGACTGTGGTCTTCCAGTCCGAT[G>A]TGTACCCCGCACTCCTCAGCTCCCTGCTGGGGCTCAGCAACGGCTACCTCAGCACCCTGG-3'
Protein context (NP_060814.4, residues 403-423): HLKTVVFQSD[Val413Met]YPALLSSLLG